The following is an entry in ClinVar:

ClinVar aggregate classification (germline): Uncertain significance (1 of 4 stars; one submission).

Conditions:
Combined oxidative phosphorylation defect type 27. Also called: Combined oxidative phosphorylation deficiency 27. Identifiers: Orphanet 477774, MedGen C5567608, MONDO:0014728, OMIM 616672.

Allele frequency attached by ClinVar (database versions not stated): gnomAD exomes 0.00002; TOPMed 0.00002; ExAC 0.00006.
gnomAD v4.1: 33 of 1,605,932 alleles (0.0021%); highest among the groups gnomAD compares: Non-Finnish European, 0.0025%; no homozygotes.

Submission:

Labcorp Genetics (formerly Invitae), Labcorp
Classification: Uncertain significance for Combined oxidative phosphorylation defect type 27. Last evaluated: 2021-01-17. Review status: criteria provided, single submitter. Criteria: Invitae Variant Classification Sherloc (09022015). Collection method: clinical testing. Allele origin: germline.
Comment: This variant has not been reported in the literature in individuals with CARS2-related conditions. Algorithms developed to predict the effect of missense changes on protein structure and function (SIFT, PolyPhen-2, Align-GVGD) all suggest that this variant is likely to be disruptive, but these predictions have not been confirmed by published functional studies and their clinical significance is uncertain. In summary, the available evidence is currently insufficient to determine the role of this variant in disease. Therefore, it has been classified as a Variant of Uncertain Significance. This variant is present in population databases (rs756833981, ExAC 0.02%). This sequence change replaces alanine with valine at codon 501 of the CARS2 protein (p.Ala501Val). The alanine residue is highly conserved and there is a small physicochemical difference between alanine and valine.

NM_024537.4(CARS2):c.1502C>T (p.Ala501Val)

Gene: CARS2 (cysteinyl-tRNA synthetase 2, mitochondrial; minus strand). Cytogenetic location: 13q34.
Variant type: single nucleotide variant.
Coding change: c.1502C>T on transcript NM_024537.4 (MANE Select); coding-DNA position 1502, C replaced by T.
Protein change: p.Ala501Val; replaces alanine 501 with valine.
Molecular consequence: missense variant. On other transcripts: non-coding transcript variant (2).
Genome position (GRCh38, 1-based): chr13:110,642,436, G>A on the plus strand (C>T on the coding strand, the complement: CARS2 is on the minus strand). VCF-style: chr13-110642436-G-A. GRCh37 (hg19) VCF-style: chr13-111294783-G-A.
Other names: c.716C>T, p.Ala239Val (NM_001352252.2); short protein forms A501V, A239V.
Identifiers: ClinVar variation 1418947 (VCV001418947.7), dbSNP rs756833981, ClinGen allele CA7051629.